The following is an entry in ClinVar:

ClinVar aggregate classification (germline): Pathogenic/Likely pathogenic. Review status: criteria provided, multiple submitters, no conflicts (2 of 4 stars). 4 submissions from 4 submitters: Pathogenic (2); Likely pathogenic (1). 1 of the submissions does not count toward it. Last evaluated 2025-08-15.

Conditions:
Marfan syndrome (MFS). Also called: Marfan syndrome type 1; Marfan syndrome, classic; Marfan's syndrome; FBN1-Related Marfan Syndrome; MARFAN SYNDROME, TYPE I. Identifiers: Orphanet 284963, Orphanet 558, MedGen C0024796, MONDO:0007947, OMIM 154700.
Familial thoracic aortic aneurysm and aortic dissection (TAAD). Also called: Thoracic aortic aneurysms and dissections. Identifiers: Orphanet 91387, MedGen C4707243, MONDO:0019625.

Submissions (4):

Ambry Genetics
Classification: Pathogenic for Familial thoracic aortic aneurysm and aortic dissection. Last evaluated: 2025-08-15. Review status: criteria provided, single submitter. Criteria: Ambry Variant Classification Scheme 2023. Collection method: clinical testing. Allele origin: germline.
Comment: The p.M1? pathogenic mutation (also known as c.2T>C) is located in coding exon 1 of the FBN1 gene and results from a T to C substitution at nucleotide position 2. This alters the methionine residue at the initiation codon (ATG). This variant was reported in individual(s) with features consistent with Marfan syndrome (Meester JAN et al. Genet Med. 2022 May;24(5):1045-1053). This variant is considered to be rare based on population cohorts in the Genome Aggregation Database (gnomAD). In addition to the clinical data presented in the literature, sequence variations that modify the initiation codon are expected to result in either loss of translation initiation, N-terminal truncation, or cause a shift in the mRNA reading frame. Based on the supporting evidence, this variant is interpreted as a disease-causing mutation.

GeneDx
Classification: Pathogenic. Last evaluated: 2025-04-24. Review status: criteria provided, single submitter. Criteria: GeneDx Variant Classification Process June 2021. Collection method: clinical testing. Allele origin: germline. Affected: yes.
Comment: Not observed at significant frequency in large population cohorts (gnomAD); Initiation codon variant in a gene for which loss of function is a known mechanism of disease; This variant is associated with the following publications: (PMID: 35058154)

Centre of Medical Genetics, University of Antwerp
Classification: Likely pathogenic for Marfan syndrome. Last evaluated: 2021-03-01. Review status: criteria provided, single submitter. Criteria: Submitter's publication. Collection method: research. Allele origin: unknown. Affected: yes.
Comment: PM2, PS7, PP4

Center for Medical Genetics Ghent, University of Ghent
Classification: Likely pathogenic for Marfan syndrome. Last evaluated: 2017-11-07. Review status: no assertion criteria provided. Collection method: clinical testing. Allele origin: de novo. Affected: yes. Not counted in ClinVar's aggregate classification.

Literature cited by the submitters: PubMed 35058154 (cited by Ambry Genetics).

NM_000138.5(FBN1):c.2T>C (p.Met1Thr)

Gene: FBN1 (fibrillin 1; minus strand). Cytogenetic location: 15q21.1.
Variant type: single nucleotide variant.
Coding change: c.2T>C on transcript NM_000138.5 (MANE Select); coding-DNA position 2, T replaced by C.
Protein change: p.Met1Thr; changes the start codon (methionine 1).
Molecular consequence: missense variant, initiator codon variant.
Genome position (GRCh38, 1-based): chr15:48,644,768, A>G on the plus strand (T>C on the coding strand, the complement: FBN1 is on the minus strand). VCF-style: chr15-48644768-A-G. GRCh37 (hg19) VCF-style: chr15-48936965-A-G.
Other names: short protein forms M1T.
Identifiers: ClinVar variation 549124 (VCV000549124.22), dbSNP rs886041536, ClinGen allele CA392454060.
Genomic context (GRCh38, chr15:48,644,768, plus strand): 5'-GTGTAGGACGCTAAAAGCACGGTAAATCCCAGGGCGATCTCCAGCAGACGCCCTCGACGC[A>G]TGATGCCGAGCCGCCACCGGCTCCCGCCGCCTCTTGCCGCGCCCGGGGCTCGGTCTGCGG-3'
Protein context (NP_000129.3, residues 1-11): [Met1Thr]RRGRLLEIAL